The following is an entry in ClinVar:

ClinVar aggregate classification (germline): Benign (1 of 4 stars; one submission).

Allele frequency attached by ClinVar (database versions not stated): ESP Exome Variant Server 0.13663; gnomAD 0.14762; TOPMed 0.15293; gnomAD exomes 0.15809; 1000 Genomes Project 30x 0.16755; 1000 Genomes Project 0.17073; ExAC 0.17189.

Submission:

Unidad de Genómica Garrahan, Hospital de Pediatría Garrahan
Classification: Benign. Last evaluated: 2024-01-24. Review status: criteria provided, single submitter. Criteria: ACMG Guidelines, 2015. Collection method: clinical testing. Allele origin: germline. Affected: no. Observed: 46 variant alleles.
Comment: This variant is classified as Benign based on local population frequency. This variant was detected in 48% of patients studied by a panel of primary immunodeficiencies. Number of patients: 46. Only high quality variants are reported.

NM_001144958.2(CRACR2A):c.636T>A (p.His212Gln)

Gene: CRACR2A (calcium release activated channel regulator 2A; minus strand). Cytogenetic location: 12p13.32.
Variant type: single nucleotide variant.
Coding change: c.636T>A on transcript NM_001144958.2 (MANE Select); coding-DNA position 636, T replaced by A.
Protein change: p.His212Gln; replaces histidine 212 with glutamine.
Molecular consequence: missense variant.
Genome position (GRCh38, 1-based): chr12:3,673,481, A>T on the plus strand (T>A on the coding strand, the complement: CRACR2A is on the minus strand). VCF-style: chr12-3673481-A-T. GRCh37 (hg19) VCF-style: chr12-3782647-A-T.
Other names: c.636T>A, p.His212Gln (NM_032680.4); short protein forms H212Q.
Identifiers: ClinVar variation 2688125 (VCV002688125.2), dbSNP rs36030417, ClinGen allele CA6394640.